The following is an entry in ClinVar:

ClinVar aggregate classification (germline): Uncertain significance (1 of 4 stars; one submission).

gnomAD v4.1: 32 of 1,597,368 alleles (0.002%); highest among the groups gnomAD compares: African/African-American, 0.0027%; no homozygotes.

Submission:

Labcorp Genetics (formerly Invitae), Labcorp
Classification: Uncertain significance. Last evaluated: 2025-02-13. Review status: criteria provided, single submitter. Criteria: Invitae Variant Classification Sherloc (09022015). Collection method: clinical testing. Allele origin: germline.
Comment: This sequence change replaces aspartic acid, which is acidic and polar, with asparagine, which is neutral and polar, at codon 789 of the PROM1 protein (p.Asp789Asn). The frequency data for this variant in the population databases is considered unreliable, as metrics indicate poor data quality at this position in the gnomAD database. This variant has not been reported in the literature in individuals affected with PROM1-related conditions. Invitae Evidence Modeling of protein sequence and biophysical properties (such as structural, functional, and spatial information, amino acid conservation, physicochemical variation, residue mobility, and thermodynamic stability) indicates that this missense variant is not expected to disrupt PROM1 protein function with a negative predictive value of 80%. In summary, the available evidence is currently insufficient to determine the role of this variant in disease. Therefore, it has been classified as a Variant of Uncertain Significance.

NM_006017.3(PROM1):c.2365G>A (p.Asp789Asn)

Gene: PROM1 (prominin 1; minus strand). Cytogenetic location: 4p15.32.
Variant type: single nucleotide variant.
Coding change: c.2365G>A on transcript NM_006017.3 (MANE Select); coding-DNA position 2365, G replaced by A.
Protein change: p.Asp789Asn; replaces aspartic acid 789 with asparagine.
Molecular consequence: missense variant. On other transcripts: non-coding transcript variant (2), intron variant (1).
Genome position (GRCh38, 1-based): chr4:15,984,271, C>T on the plus strand (G>A on the coding strand, the complement: PROM1 is on the minus strand). VCF-style: chr4-15984271-C-T. GRCh37 (hg19) VCF-style: chr4-15985894-C-T.
Other names: c.2338G>A, p.Asp780Asn (NM_001145847.2, NM_001145848.2, NM_001145851.2 and 4 more transcripts); c.2365G>A, p.Asp789Asn (NM_001145849.2, NM_001145850.2); c.2335G>A, p.Asp779Asn (NM_001441173.1); c.2254G>A, p.Asp752Asn (NM_001441174.1); c.2245G>A, p.Asp749Asn (NM_001441176.1); c.2233G>A, p.Asp745Asn (NM_001441177.1); c.2173G>A, p.Asp725Asn (NM_001441178.1); c.1999G>A, p.Asp667Asn (NM_001441179.1); and 1 more; short protein forms D667N, D725N, D745N, D749N, D752N, D779N, D780N, D789N.
Identifiers: ClinVar variation 4799610 (VCV004799610.1).